The following is an entry in ClinVar:

NM_003245.4(TGM3):c.1127G>A (p.Arg376Gln)

Gene: TGM3 (transglutaminase 3; plus strand). Cytogenetic location: 20p13.
Variant type: single nucleotide variant.
Coding change: c.1127G>A on transcript NM_003245.4 (MANE Select); coding-DNA position 1127, G replaced by A.
Protein change: p.Arg376Gln; replaces arginine 376 with glutamine.
Molecular consequence: missense variant.
Genome position (GRCh38, 1-based): chr20:2,328,159, G>A. VCF-style: chr20-2328159-G-A. GRCh37 (hg19) VCF-style: chr20-2308805-G-A.
Other names: short protein forms R376Q.
Identifiers: ClinVar variation 4594593 (VCV004594593.2).

ClinVar aggregate classification (germline): Uncertain significance. Review status: criteria provided, multiple submitters, no conflicts (2 of 4 stars). 2 submissions from 2 submitters: Uncertain significance (2). Last evaluated 2025-11-25.

Conditions:
TGM3-related disorder. Also called: TGM3-related condition.

gnomAD v4.1: 74 of 1,614,044 alleles (0.0046%); highest among the groups gnomAD compares: Middle Eastern, 0.033%; no homozygotes.

Submissions (2):

Ambry Genetics
Classification: Uncertain significance. Last evaluated: 2025-11-25. Review status: criteria provided, single submitter. Criteria: Ambry Variant Classification Scheme 2023. Collection method: clinical testing. Allele origin: germline.

PreventionGenetics, part of Exact Sciences
Classification: Uncertain significance for TGM3-related condition. Last evaluated: 2024-12-22. Review status: criteria provided, single submitter. Criteria: ACMG Guidelines, 2015. Collection method: clinical testing. Allele origin: germline.
Comment: The TGM3 c.1127G>A variant is predicted to result in the amino acid substitution p.Arg376Gln. To our knowledge, this variant has not been reported in the literature. This variant is reported in 0.0098% of alleles in individuals of South Asian descent in gnomAD. At this time, the clinical significance of this variant is uncertain due to the absence of conclusive functional and genetic evidence.